The following is an entry in ClinVar:

ClinVar aggregate classification (germline): Pathogenic (1 of 4 stars; one submission).

Conditions:
Primary ciliary dyskinesia. Also called: Ciliary dyskinesia. Identifiers: Orphanet 244, MedGen C0008780, MONDO:0016575, HP:0012265.

Submission:

Labcorp Genetics (formerly Invitae), Labcorp
Classification: Pathogenic for Primary ciliary dyskinesia. Last evaluated: 2023-02-14. Review status: criteria provided, single submitter. Criteria: Invitae Variant Classification Sherloc (09022015). Collection method: clinical testing. Allele origin: germline.
Comment: For these reasons, this variant has been classified as Pathogenic. This variant has not been reported in the literature in individuals affected with DNAH5-related conditions. This variant is not present in population databases (gnomAD no frequency). This sequence change creates a premature translational stop signal (p.Met2781Cysfs*25) in the DNAH5 gene. It is expected to result in an absent or disrupted protein product. Loss-of-function variants in DNAH5 are known to be pathogenic (PMID: 11788826, 16627867).

Literature cited by the submitters: PubMed 11788826; PubMed 16627867.

NM_001369.3(DNAH5):c.8341del (p.Met2781fs)

Gene: DNAH5 (dynein axonemal heavy chain 5; minus strand). Cytogenetic location: 5p15.2.
Variant type: Deletion.
Coding change: c.8341del on transcript NM_001369.3 (MANE Select); coding-DNA position 8341, one base deleted (A; older notation c.8341delA).
Protein change: p.Met2781fs; shifts the reading frame from methionine 2781.
Molecular consequence: frameshift variant.
Genome position (GRCh38, 1-based): chr5:13,792,101, T deleted on the plus strand (A on the coding strand, the reverse complement: DNAH5 is on the minus strand); the first of 4 consecutive T bases (chr5:13,792,101-13,792,104); deleting any one gives the same sequence. VCF-style (leftmost placement, unchanged base first): chr5-13792100-AT-A. GRCh37 (hg19) VCF-style: chr5-13792209-AT-A.
Other names: short protein forms M2781fs.
Identifiers: ClinVar variation 2837004 (VCV002837004.3), dbSNP rs2546736986, ClinGen allele CA2739274579.